The following is an entry in ClinVar:

ClinVar aggregate classification (germline): Uncertain significance. Review status: criteria provided, multiple submitters, no conflicts (2 of 4 stars). 2 submissions from 2 submitters: Uncertain significance (2). Last evaluated 2025-03-30.

Conditions:
Familial thoracic aortic aneurysm and aortic dissection (TAAD). Also called: Thoracic aortic aneurysms and dissections. Identifiers: Orphanet 91387, MedGen C4707243, MONDO:0019625.
Congenital contractural arachnodactyly (CCA). Also called: BEALS SYNDROME; Beals-Hecht syndrome; Arthrogryposis, distal, type 9. Identifiers: Orphanet 115, MedGen C0220668, MONDO:0007363, OMIM 121050.

gnomAD v4.1: 3 of 1,614,004 alleles (0.00019%); highest among the groups gnomAD compares: Non-Finnish European, 0.00025%; no homozygotes.

Submissions (2):

Labcorp Genetics (formerly Invitae), Labcorp
Classification: Uncertain significance for Congenital contractural arachnodactyly. Last evaluated: 2025-03-30. Review status: criteria provided, single submitter. Criteria: Invitae Variant Classification Sherloc (09022015). Collection method: clinical testing. Allele origin: germline.
Comment: This sequence change replaces arginine, which is basic and polar, with leucine, which is neutral and non-polar, at codon 2195 of the FBN2 protein (p.Arg2195Leu). This variant is not present in population databases (gnomAD no frequency). This variant has not been reported in the literature in individuals affected with FBN2-related conditions. ClinVar contains an entry for this variant (Variation ID: 3277966). Invitae Evidence Modeling of protein sequence and biophysical properties (such as structural, functional, and spatial information, amino acid conservation, physicochemical variation, residue mobility, and thermodynamic stability) indicates that this missense variant is expected to disrupt FBN2 protein function with a positive predictive value of 80%. In summary, the available evidence is currently insufficient to determine the role of this variant in disease. Therefore, it has been classified as a Variant of Uncertain Significance.

Ambry Genetics
Classification: Uncertain significance for Familial thoracic aortic aneurysm and aortic dissection. Last evaluated: 2024-04-19. Review status: criteria provided, single submitter. Criteria: Ambry Variant Classification Scheme 2023. Collection method: clinical testing. Allele origin: germline.
Comment: The p.R2195L variant (also known as c.6584G>T), located in coding exon 52 of the FBN2 gene, results from a G to T substitution at nucleotide position 6584. The arginine at codon 2195 is replaced by leucine, an amino acid with dissimilar properties. This amino acid position is highly conserved in available vertebrate species. In addition, this alteration is predicted to be deleterious by in silico analysis. Based on the available evidence, the clinical significance of this variant remains unclear.

NM_001999.4(FBN2):c.6584G>T (p.Arg2195Leu)

Gene: FBN2 (fibrillin 2; minus strand). Cytogenetic location: 5q23.3.
Variant type: single nucleotide variant.
Coding change: c.6584G>T on transcript NM_001999.4 (MANE Select); coding-DNA position 6584, G replaced by T.
Protein change: p.Arg2195Leu; replaces arginine 2195 with leucine.
Molecular consequence: missense variant.
Genome position (GRCh38, 1-based): chr5:128,289,180, C>A on the plus strand (G>T on the coding strand, the complement: FBN2 is on the minus strand). VCF-style: chr5-128289180-C-A. GRCh37 (hg19) VCF-style: chr5-127624872-C-A.
Other names: short protein forms R2195L.
Identifiers: ClinVar variation 3277966 (VCV003277966.2).